The following is an entry in ClinVar:

NM_002473.6(MYH9):c.1193G>A (p.Arg398Gln)

Gene: MYH9 (myosin heavy chain 9; minus strand). Cytogenetic location: 22q12.3.
Variant type: single nucleotide variant.
Coding change: c.1193G>A on transcript NM_002473.6 (MANE Select); coding-DNA position 1193, G replaced by A.
Protein change: p.Arg398Gln; replaces arginine 398 with glutamine.
Molecular consequence: missense variant.
Genome position (GRCh38, 1-based): chr22:36,318,241, C>T on the plus strand (G>A on the coding strand, the complement: MYH9 is on the minus strand). VCF-style: chr22-36318241-C-T. GRCh37 (hg19) VCF-style: chr22-36714286-C-T.
Other names: short protein forms R398Q.
Identifiers: ClinVar variation 4947667 (VCV004947667.3).

ClinVar aggregate classification (germline): Uncertain significance. Review status: criteria provided, multiple submitters, no conflicts (2 of 4 stars). 2 submissions from 2 submitters: Uncertain significance (2). Last evaluated 2019-04-18.

Conditions:
Macrothrombocytopenia and granulocyte inclusions with or without nephritis or sensorineural hearing loss (MATINS). Also called: BLEEDING DISORDER, PLATELET-TYPE, 6; MAY-HEGGLIN ANOMALY; DOHLE LEUKOCYTE INCLUSIONS WITH GIANT PLATELETS; MACROTHROMBOCYTOPENIA WITH LEUKOCYTE INCLUSIONS; SEBASTIAN PLATELET SYNDROME; MACROTHROMBOCYTOPENIA WITH DISPERSED LEUKOCYTIC INCLUSIONS. Identifiers: Orphanet 182050, MedGen C5200934, MONDO:0015912, OMIM 155100.
Autosomal dominant nonsyndromic hearing loss 17. Also called: Deafness, autosomal dominant 17; Autosomal dominant nonsyndromic deafness 17. Identifiers: Orphanet 90635, MedGen C1863659, MONDO:0011350, OMIM 603622.

gnomAD v4.1: 4 of 1,613,768 alleles (0.00025%); highest among the groups gnomAD compares: Non-Finnish European, 0.00025%; no homozygotes.

Submissions (2):

Blueprint Genetics
Classification: Uncertain significance. Last evaluated: 2019-04-18. Review status: criteria provided, single submitter. Criteria: ACMG Guidelines, 2015. Collection method: clinical testing. Allele origin: germline.

Juno Genomics, Hangzhou Juno Genomics, Inc
Classification: Uncertain significance for Autosomal dominant nonsyndromic hearing loss 17; Macrothrombocytopenia and granulocyte inclusions with or without nephritis or sensorineural hearing loss. Review status: criteria provided, single submitter. Criteria: ACMG Guidelines, 2015. Collection method: clinical testing. Allele origin: germline.
Comment: Absent from controls (or at extremely low frequency if recessive) in Genome Aggregation Database.;Missense variant in a gene that has a low rate of benign missense variation.;Multiple lines of computational evidence support a deleterious effect on the gene or gene product.